The following is an entry in ClinVar:

NM_000369.5(TSHR):c.2101C>T (p.Arg701Cys)

Genes: TSHR (thyroid stimulating hormone receptor; plus strand), TSHR-AS1 (TSHR antisense RNA 1; minus strand). Cytogenetic location: 14q31.1.
Variant type: single nucleotide variant.
Coding change: c.2101C>T on transcript NM_000369.5 (MANE Select); coding-DNA position 2101, C replaced by T.
Protein change: p.Arg701Cys; replaces arginine 701 with cysteine.
Molecular consequence: missense variant.
Genome position (GRCh38, 1-based): chr14:81,144,159, C>T. VCF-style: chr14-81144159-C-T. GRCh37 (hg19) VCF-style: chr14-81610503-C-T.
Other names: short protein forms R701C.
Identifiers: ClinVar variation 4885835 (VCV004885835.2).
Genomic context (GRCh38, chr14:81,144,159, plus strand): 5'-TTCACCAAGGCCTTCCAGAGGGATGTGTTCATCCTACTCAGCAAGTTTGGCATCTGTAAA[C>T]GCCAGGCTCAGGCATACCGGGGGCAGAGGGTTCCTCCAAAGAACAGCACTGATATTCAGG-3'
Protein context (NP_000360.2, residues 691-711): ILLSKFGICK[Arg701Cys]QAQAYRGQRV

ClinVar aggregate classification (germline): Uncertain significance (1 of 4 stars; one submission).

gnomAD v4.1: 49 of 1,614,016 alleles (0.003%); highest among the groups gnomAD compares: African/African-American, 0.023%; no homozygotes.

Submission:

Dasa
Classification: Uncertain significance. Last evaluated: 2026-02-21. Review status: criteria provided, single submitter. Criteria: DASA Assertion Criteria. Collection method: clinical testing. Allele origin: germline.
Comment: NM_000369.5(TSHR):c.2101C>T (p.Arg701Cys) is a missense variant that results in the substitution of arginine with cysteine. This variant is rare in population databases. Computational prediction algorithms are consistent with a benign effect. The currently available literature and clinical evidence are not sufficient to establish a definitive association between this variant and the reported condition. Therefore, this variant is classified as a variant of uncertain significance.